The following is an entry in ClinVar:

NM_001048174.2(MUTYH):c.212G>A (p.Ser71Asn)

Gene: MUTYH (mutY DNA glycosylase; minus strand). Cytogenetic location: 1p34.1.
Variant type: single nucleotide variant.
Coding change: c.212G>A on transcript NM_001048174.2 (MANE Select); coding-DNA position 212, G replaced by A.
Protein change: p.Ser71Asn; replaces serine 71 with asparagine.
Molecular consequence: missense variant. On other transcripts: 5 prime UTR variant (4), non-coding transcript variant (2).
Genome position (GRCh38, 1-based): chr1:45,333,465, C>T on the plus strand (G>A on the coding strand, the complement: MUTYH is on the minus strand). VCF-style: chr1-45333465-C-T. GRCh37 (hg19) VCF-style: chr1-45799137-C-T.
Other names: c.212G>A, p.Ser71Asn (NM_001048171.2, NM_001048173.2, NM_001293195.2); c.215G>A, p.Ser72Asn (NM_001048172.2); c.296G>A, p.Ser99Asn (NM_001128425.2); c.257G>A, p.Ser86Asn (NM_001293190.2); c.245G>A, p.Ser82Asn (NM_001293191.2); c.-65G>A (NM_001293192.2, NM_001293196.2); c.-60G>A (NM_001350650.2, NM_001350651.2); c.287G>A, p.Ser96Asn (NM_012222.3); and 1 more; short protein forms S71N, S72N, S82N, S86N, S96N, S99N.
Identifiers: ClinVar variation 998748 (VCV000998748.9), dbSNP rs1645359691, ClinGen allele CA340136431.
Genomic context (GRCh38, chr1:45,333,465, plus strand): 5'-CTGCCTACCCGTCTTCTCCATGGTAGGTCCCGTTTCTCTTGGTCGTACCAGCTTAGCAGG[C>T]TCCCTCGGAAGGCTGTGACTTCAGCTACGTCTCTGAATAGATGGTATGAGGAGACAGAGG-3'
Protein context (NP_001041639.1, residues 61-81): DVAEVTAFRG[Ser71Asn]LLSWYDQEKR

ClinVar aggregate classification (germline): Conflicting classifications of pathogenicity. Review status: criteria provided, conflicting classifications (1 of 4 stars). 2 submissions from 2 submitters: Uncertain significance (1); Likely benign (1). Last evaluated 2024-10-07.

Conditions:
Hereditary cancer-predisposing syndrome. Also called: Neoplastic Syndromes, Hereditary; Hereditary Cancer Syndrome; Hereditary neoplastic syndrome; Tumor predisposition. Identifiers: Orphanet 140162, MedGen C0027672, MeSH D009386, MONDO:0015356.
Familial adenomatous polyposis 2. Also called: COLORECTAL ADENOMATOUS POLYPOSIS, AUTOSOMAL RECESSIVE; ADENOMAS, MULTIPLE COLORECTAL, AUTOSOMAL RECESSIVE; Adenomas, multiple colorectal; FAP type 2; MUTYH Polyposis; MUTYH-associated polyposis. Identifiers: Orphanet 220460, Orphanet 247798, MedGen C3272841, MONDO:0012041, OMIM 608456.

gnomAD v4.1: 1 of 1,614,240 alleles (0.000062%); no homozygotes.

Submissions (2):

Ambry Genetics
Classification: Likely benign for Hereditary cancer-predisposing syndrome. Last evaluated: 2024-10-07. Review status: criteria provided, single submitter. Criteria: Ambry Variant Classification Scheme 2023. Collection method: clinical testing. Allele origin: germline.

Labcorp Genetics (formerly Invitae), Labcorp
Classification: Uncertain significance for Familial adenomatous polyposis 2. Last evaluated: 2021-08-06. Review status: criteria provided, single submitter. Criteria: Invitae Variant Classification Sherloc (09022015). Collection method: clinical testing. Allele origin: germline.
Comment: In summary, the available evidence is currently insufficient to determine the role of this variant in disease. Therefore, it has been classified as a Variant of Uncertain Significance. This sequence change replaces serine with asparagine at codon 99 of the MUTYH protein (p.Ser99Asn). The serine residue is moderately conserved and there is a small physicochemical difference between serine and asparagine. This variant is not present in population databases (ExAC no frequency). This variant has not been reported in the literature in individuals with MUTYH-related conditions. Algorithms developed to predict the effect of missense changes on protein structure and function output the following: SIFT: "Tolerated"; PolyPhen-2: "Benign"; Align-GVGD: "Class C0". The asparagine amino acid residue is found in multiple mammalian species, suggesting that this missense change does not adversely affect protein function. These predictions have not been confirmed by published functional studies and their clinical significance is uncertain.